The following is an entry in ClinVar:

NM_014946.4(SPAST):c.832G>C (p.Val278Leu)

Gene: SPAST (spastin; plus strand). Cytogenetic location: 2p22.3.
Variant type: single nucleotide variant.
Coding change: c.832G>C on transcript NM_014946.4 (MANE Select); coding-DNA position 832, G replaced by C.
Protein change: p.Val278Leu; replaces valine 278 with leucine.
Molecular consequence: missense variant.
Genome position (GRCh38, 1-based): chr2:32,114,787, G>C. VCF-style: chr2-32114787-G-C. GRCh37 (hg19) VCF-style: chr2-32339856-G-C.
Other names: c.829G>C, p.Val277Leu (NM_001363823.2); c.733G>C, p.Val245Leu (NM_001363875.2); c.736G>C, p.Val246Leu (NM_001377959.1, NM_199436.2); c.832G>C (NM_014946.3); short protein forms V277L, V246L, V278L, V245L.
Identifiers: ClinVar variation 1349644 (VCV001349644.9), dbSNP rs369908571, ClinGen allele CA346498781.

ClinVar aggregate classification (germline): Uncertain significance. Review status: criteria provided, multiple submitters, no conflicts (2 of 4 stars). 2 submissions from 2 submitters: Uncertain significance (2). Last evaluated 2025-09-09.

Conditions:
Inborn genetic diseases. Identifiers: MedGen C0950123, MeSH D030342.
Hereditary spastic paraplegia 4. Also called: Familial spastic paraplegia autosomal dominant 2; Spastic Paraplegia 4; Spastic paraplegia 4, autosomal dominant. Identifiers: Orphanet 100985, MedGen C1866855, MONDO:0008438, OMIM 182601.

gnomAD v4.1: 3 of 1,614,086 alleles (0.00019%); highest among the groups gnomAD compares: Non-Finnish European, 0.00025%; no homozygotes.

Submissions (2):

Ambry Genetics
Classification: Uncertain significance for Inborn genetic diseases. Last evaluated: 2025-09-09. Review status: criteria provided, single submitter. Criteria: Ambry Variant Classification Scheme 2023. Collection method: clinical testing. Allele origin: germline.

Labcorp Genetics (formerly Invitae), Labcorp
Classification: Uncertain significance for Hereditary spastic paraplegia 4. Last evaluated: 2021-08-02. Review status: criteria provided, single submitter. Criteria: Invitae Variant Classification Sherloc (09022015). Collection method: clinical testing. Allele origin: germline.
Comment: This sequence change replaces valine with leucine at codon 278 of the SPAST protein (p.Val278Leu). The valine residue is weakly conserved and there is a small physicochemical difference between valine and leucine. In summary, the available evidence is currently insufficient to determine the role of this variant in disease. Therefore, it has been classified as a Variant of Uncertain Significance. Advanced modeling of protein sequence and biophysical properties (such as structural, functional, and spatial information, amino acid conservation, physicochemical variation, residue mobility, and thermodynamic stability) performed at Invitae indicates that this missense variant is not expected to disrupt SPAST protein function. This variant has not been reported in the literature in individuals affected with SPAST-related conditions. This variant is not present in population databases (ExAC no frequency).